The following is an entry in ClinVar:

ClinVar aggregate classification (germline): Uncertain significance (1 of 4 stars; one submission).

Conditions:
Renal carnitine transport defect (CDSP). Also called: Primary carnitine deficiency; CARNITINE DEFICIENCY, SYSTEMIC, DUE TO DEFECT IN RENAL REABSORPTION OF CARNITINE; CARNITINE TRANSPORTER, PLASMA-MEMBRANE, DEFICIENCY OF; CARNITINE UPTAKE DEFECT; Systemic primary carnitine deficiency disease; Carnitine transporter deficiency. Identifiers: Orphanet 158, MedGen C0342788, MONDO:0008919, OMIM 212140.

Submission:

Labcorp Genetics (formerly Invitae), Labcorp
Classification: Uncertain significance for Renal carnitine transport defect. Last evaluated: 2019-02-18. Review status: criteria provided, single submitter. Criteria: Invitae Variant Classification Sherloc (09022015). Collection method: clinical testing. Allele origin: germline.
Comment: This sequence change replaces leucine with proline at codon 11 of the SLC22A5 protein (p.Leu11Pro). The leucine residue is highly conserved and there is a moderate physicochemical difference between leucine and proline. This variant is not present in population databases (ExAC no frequency). This variant has not been reported in the literature in individuals with SLC22A5-related conditions. Algorithms developed to predict the effect of missense changes on protein structure and function (SIFT, PolyPhen-2, Align-GVGD) all suggest that this variant is likely to be disruptive, but these predictions have not been confirmed by published functional studies and their clinical significance is uncertain. In summary, the available evidence is currently insufficient to determine the role of this variant in disease. Therefore, it has been classified as a Variant of Uncertain Significance.

NM_003060.4(SLC22A5):c.32T>C (p.Leu11Pro)

Gene: SLC22A5 (solute carrier family 22 member 5; plus strand). Cytogenetic location: 5q31.1.
Variant type: single nucleotide variant.
Coding change: c.32T>C on transcript NM_003060.4 (MANE Select); coding-DNA position 32, T replaced by C.
Protein change: p.Leu11Pro; replaces leucine 11 with proline.
Molecular consequence: missense variant.
Genome position (GRCh38, 1-based): chr5:132,370,004, T>C. VCF-style: chr5-132370004-T-C. GRCh37 (hg19) VCF-style: chr5-131705696-T-C.
Other names: c.32T>C, p.Leu11Pro (NM_001308122.2); short protein forms L11P.
Identifiers: ClinVar variation 835054 (VCV000835054.9), dbSNP rs1751823540, ClinGen allele CA360802241.